The following is an entry in ClinVar:

NM_000204.5(CFI):c.1367G>T (p.Trp456Leu)

Gene: CFI (complement factor I; minus strand). Cytogenetic location: 4q25.
Variant type: single nucleotide variant.
Coding change: c.1367G>T on transcript NM_000204.5 (MANE Select); coding-DNA position 1367, G replaced by T.
Protein change: p.Trp456Leu; replaces tryptophan 456 with leucine.
Molecular consequence: missense variant. On other transcripts: non-coding transcript variant (2).
Genome position (GRCh38, 1-based): chr4:109,746,284, C>A on the plus strand (G>T on the coding strand, the complement: CFI is on the minus strand). VCF-style: chr4-109746284-C-A. GRCh37 (hg19) VCF-style: chr4-110667440-C-A.
Other names: c.1391G>T, p.Trp464Leu (NM_001318057.2, NM_001375278.1, NM_001440988.1); c.1346G>T, p.Trp449Leu (NM_001331035.2, NM_001375280.1, NM_001375282.1 and 1 more transcripts); c.1367G>T, p.Trp456Leu (NM_001375279.1, NM_001375281.1, NM_001440989.1); c.1310G>T, p.Trp437Leu (NM_001375283.1); c.758G>T, p.Trp253Leu (NM_001375284.1); c.1388G>T, p.Trp463Leu (NM_001440985.1, NM_001440986.1); short protein forms W253L, W437L, W449L, W456L, W463L, W464L.
Identifiers: ClinVar variation 4280565 (VCV004280565.2).

ClinVar aggregate classification (germline): Pathogenic (1 of 4 stars; one submission).

Conditions:
CFI-related disorder. Also called: CFI-related condition; CFI-related disorders. Identifiers: MedGen CN239325.

gnomAD v4.1: 1 of 1,614,150 alleles (0.000062%); highest among the groups gnomAD compares: Non-Finnish European, 0.000085%; no homozygotes.

Submission:

Genomenon, Inc
Classification: Pathogenic for CFI-related disorder. Last evaluated: 2026-09-17. Review status: criteria provided, single submitter. Criteria: Genomenon Sequence Variant Interpretation Standards - Updated. Collection method: curation. Allele origin: germline. Affected: yes.
Comment: CFI p.Trp456Leu (c.1367G>T) is a missense variant that changes the amino acid at codon 456 from Tryptophan to Leucine. This variant has been observed in at least one proband affected with a CFI-related disorder (PMID:32853637;32510551;20016463). At least one functional study has demonstrated a substantial alteration in protein function relative to the wild-type (PMID:32510551;20016463). This variant is located in a mutational hotspot and/or important functional domain. It is absent or not present at a significant frequency in gnomAD. In conclusion, we classify CFI p.Trp456Leu (c.1367G>T) as a pathogenic variant.

Literature cited by the submitters: PubMed 32853637; PubMed 32510551; PubMed 20016463.